The following is an entry in ClinVar:

NM_030773.4(TUBB1):c.605T>G (p.Ile202Ser)

Gene: TUBB1 (tubulin beta 1 class VI; plus strand). Cytogenetic location: 20q13.32.
Variant type: single nucleotide variant.
Coding change: c.605T>G on transcript NM_030773.4 (MANE Select); coding-DNA position 605, T replaced by G.
Protein change: p.Ile202Ser; replaces isoleucine 202 with serine.
Molecular consequence: missense variant.
Genome position (GRCh38, 1-based): chr20:59,024,032, T>G. VCF-style: chr20-59024032-T-G. GRCh37 (hg19) VCF-style: chr20-57599087-T-G.
Other names: p.Ile202Ser; short protein forms I202S.
Identifiers: ClinVar variation 4542393 (VCV004542393.1).

ClinVar aggregate classification (germline): Uncertain significance (1 of 4 stars; one submission).

Submission:

Mayo Clinic Laboratories, Mayo Clinic
Classification: Uncertain significance. Last evaluated: 2024-12-24. Review status: criteria provided, single submitter. Criteria: ACMG Guidelines, 2015. Collection method: clinical testing. Allele origin: germline. Observed: 1 variant allele.
Comment: PP3_moderate, PM1_supporting, PM2_supporting